The following is an entry in ClinVar:

ClinVar aggregate classification (germline): Pathogenic. Review status: reviewed by expert panel (3 of 4 stars). 4 submissions from 4 submitters: Pathogenic (1). 3 of the submissions do not count toward it. Last evaluated 2016-10-18.

Conditions:
Hereditary breast ovarian cancer syndrome. Also called: Hereditary breast and ovarian cancer syndrome (HBOC); Breast and ovarian cancer; Hereditary breast and ovarian cancer syndrome; Hereditary breast and ovarian cancer; BRCA1- and BRCA2-Associated Hereditary Breast and Ovarian Cancer; Hereditary breast and/or ovarian cancer syndrome. Identifiers: Orphanet 145, MedGen C0677776, MeSH D061325, MONDO:0003582. Disease mechanism: loss of function.
Breast-ovarian cancer, familial, susceptibility to, 1 (BROVCA1). Also called: BRCA1 Hereditary Breast and Ovarian Cancer; OVARIAN CANCER, SUSCEPTIBILITY TO. Identifiers: Orphanet 145, MedGen C2676676, MONDO:0011450, OMIM 604370. Disease mechanism: loss of function.

Submissions (4):

Evidence-based Network for the Interpretation of Germline Mutant Alleles (ENIGMA)
Classification: Pathogenic for Breast-ovarian cancer, familial, susceptibility to, 1. Last evaluated: 2016-10-18. Review status: reviewed by expert panel. Criteria: ENIGMA BRCA1/2 Classification Criteria (2015). Collection method: curation. Allele origin: germline.
Comment: Variant allele predicted to encode a truncated non-functional protein.

Labcorp Genetics (formerly Invitae), Labcorp
Classification: Pathogenic for Hereditary breast ovarian cancer syndrome. Last evaluated: 2020-10-19. Review status: criteria provided, single submitter. Criteria: Invitae Variant Classification Sherloc (09022015). Collection method: clinical testing. Allele origin: germline. Not counted in ClinVar's aggregate classification.
Comment: This sequence change creates a premature translational stop signal (p.Tyr1509*) in the BRCA1 gene. It is expected to result in an absent or disrupted protein product. Loss-of-function variants in BRCA1 are known to be pathogenic (PMID: 20104584). This variant is not present in population databases (ExAC no frequency). This variant has been observed in individual(s) with a personal or family history of breast or ovarian cancer (PMID: 29446198). ClinVar contains an entry for this variant (Variation ID: 266479). Algorithms developed to predict the effect of sequence changes on RNA splicing suggest that this variant may create or strengthen a splice site, but this prediction has not been confirmed by published transcriptional studies. For these reasons, this variant has been classified as Pathogenic.

GeneDx
Classification: Pathogenic. Last evaluated: 2016-02-18. Review status: criteria provided, single submitter. Criteria: GeneDx Variant Classification (06012015). Collection method: clinical testing. Allele origin: germline. Affected: yes. Not counted in ClinVar's aggregate classification.
Comment: This variant is denoted BRCA1 c.4527C>A at the cDNA level and p.Tyr1509Ter (Y1509X) at the protein level. The substitution creates a nonsense variant, which changes a Tyrosine to a premature stop codon (TAC>TAA) , and is predicted to cause loss of normal protein function through either protein truncation or nonsense-mediated mRNA decay. Although this variant has not, to our knowledge, been reported in the literature, it is considered pathogenic.

Consortium of Investigators of Modifiers of BRCA1/2 (CIMBA), c/o University of Cambridge
Classification: Pathogenic for Breast-ovarian cancer, familial, susceptibility to, 1. Last evaluated: 2015-10-02. Review status: criteria provided, single submitter. Criteria: CIMBA Mutation Classification guidelines May 2016. Collection method: clinical testing. Allele origin: germline. Not counted in ClinVar's aggregate classification.

Literature cited by the submitters: PubMed 20104584 (cited by Labcorp Genetics (formerly Invitae), Labcorp); PubMed 29446198 (cited by Labcorp Genetics (formerly Invitae), Labcorp).

NM_007294.4(BRCA1):c.4527C>A (p.Tyr1509Ter)

Gene: BRCA1 (BRCA1 DNA repair associated; minus strand). Cytogenetic location: 17q21.31.
Variant type: single nucleotide variant.
Coding change: c.4527C>A on transcript NM_007294.4 (MANE Select); coding-DNA position 4527, C replaced by A.
Protein change: p.Tyr1509Ter; replaces tyrosine 1509 with a stop codon.
Molecular consequence: nonsense. On other transcripts: non-coding transcript variant (1).
Genome position (GRCh38, 1-based): chr17:43,074,479, G>T on the plus strand (C>A on the coding strand, the complement: BRCA1 is on the minus strand). VCF-style: chr17-43074479-G-T. GRCh37 (hg19) VCF-style: chr17-41226496-G-T.
Other names: 4646C>A (Y1509X); c.4314C>A, p.Tyr1438Ter (NM_001407571.1, NM_001407900.1, NM_001407902.1 and 12 more transcripts); c.4593C>A, p.Tyr1531Ter (NM_001407581.1, NM_001407582.1); c.4590C>A, p.Tyr1530Ter (NM_001407583.1, NM_001407585.1, NM_001407587.1 and 1 more transcripts); c.4524C>A, p.Tyr1508Ter (NM_001407610.1, NM_001407611.1, NM_001407612.1 and 17 more transcripts); c.4521C>A, p.Tyr1507Ter (NM_001407629.1, NM_001407630.1, NM_001407631.1 and 14 more transcripts); c.4467C>A, p.Tyr1489Ter (NM_001407649.1); c.4527C>A, p.Tyr1509Ter (NM_001407652.1, NM_001407593.1, NM_001407594.1 and 8 more transcripts); and 69 more; short protein forms Y1509*, Y1462*, Y405*, Y1530*, Y1213*, Y1419*, Y1465*, Y1468*.
Identifiers: ClinVar variation 266479 (VCV000266479.14), dbSNP rs886040233, ClinGen allele CA10589660.
Genomic context (GRCh38, chr17:43,074,479, plus strand): 5'-AATGAGCTCCTCTTGAGATGGGTAGTTTCTATTCTGAAGACTCCCAGAGCAACTGTGCAT[G>T]TACCACCTATCATCTAATGATGGGCATTTAGAAGGGGATGACCTAGAAAGATAAATGGAA-3'